The following is an entry in ClinVar:

NM_001242659.2(FNDC10):c.211C>T (p.Leu71=)

Genes: FNDC10 (fibronectin type III domain containing 10; minus strand), LOC105378586 (uncharacterized LOC105378586; plus strand). Cytogenetic location: 1p36.33.
Variant type: single nucleotide variant.
Coding change: c.211C>T on transcript NM_001242659.2 (MANE Select); coding-DNA position 211, C replaced by T.
Protein change: p.Leu71=; no amino-acid change (leucine 71 retained).
Molecular consequence: synonymous variant.
Genome position (GRCh38, 1-based): chr1:1,599,805, G>A on the plus strand (C>T on the coding strand, the complement: FNDC10 is on the minus strand). VCF-style: chr1-1599805-G-A. GRCh37 (hg19) VCF-style: chr1-1535185-G-A.
Identifiers: ClinVar variation 3905362 (VCV003905362.10).

ClinVar aggregate classification (germline): Likely benign (1 of 4 stars; one submission).

Submission:

CeGaT Center for Human Genetics Tuebingen
Classification: Likely benign. Last evaluated: 2025-06-01. Review status: criteria provided, single submitter. Criteria: CeGaT Center For Human Genetics Tuebingen Variant Classification Criteria Version 2. Collection method: clinical testing. Allele origin: germline. Affected: yes. Observed: 1 variant allele.
Comment: FNDC10: BP4, BP7